The following is an entry in ClinVar:

NM_015215.4(CAMTA1):c.3220G>T (p.Ala1074Ser)

Gene: CAMTA1 (calmodulin binding transcription activator 1; plus strand). Cytogenetic location: 1p36.23.
Variant type: single nucleotide variant.
Coding change: c.3220G>T on transcript NM_015215.4 (MANE Select); coding-DNA position 3220, G replaced by T.
Protein change: p.Ala1074Ser; replaces alanine 1074 with serine.
Molecular consequence: missense variant.
Genome position (GRCh38, 1-based): chr1:7,736,497, G>T. VCF-style: chr1-7736497-G-T. GRCh37 (hg19) VCF-style: chr1-7796557-G-T.
Other names: c.3220G>T, p.Ala1074Ser (NM_001349609.2, NM_001349610.2, NM_001410737.1); c.3130G>T, p.Ala1044Ser (NM_001349612.2, NM_001349608.2); c.349G>T, p.Ala117Ser (NM_001349613.1); c.292G>T, p.Ala98Ser (NM_001349614.1, NM_001349615.2, NM_001349616.2 and 10 more transcripts); c.3148G>T, p.Ala1050Ser (NM_001410738.1); short protein forms A1074S, A1044S, A117S, A98S, A1050S.
Identifiers: ClinVar variation 2090554 (VCV002090554.4), dbSNP rs1558255664, ClinGen allele CA338122706.

ClinVar aggregate classification (germline): Uncertain significance (1 of 4 stars; one submission).

Allele frequency attached by ClinVar (database versions not stated): gnomAD exomes below 0.00001.
gnomAD v4.1: 2 of 1,614,150 alleles (0.00012%); highest among the groups gnomAD compares: East Asian, 0.0022%; no homozygotes.

Submission:

Labcorp Genetics (formerly Invitae), Labcorp
Classification: Uncertain significance. Last evaluated: 2022-01-27. Review status: criteria provided, single submitter. Criteria: Invitae Variant Classification Sherloc (09022015). Collection method: clinical testing. Allele origin: germline.
Comment: In summary, the available evidence is currently insufficient to determine the role of this variant in disease. Therefore, it has been classified as a Variant of Uncertain Significance. Algorithms developed to predict the effect of missense changes on protein structure and function are either unavailable or do not agree on the potential impact of this missense change (SIFT: "Tolerated"; PolyPhen-2: "Probably Damaging"; Align-GVGD: "Class C0"). This variant has not been reported in the literature in individuals affected with CAMTA1-related conditions. This variant is not present in population databases (gnomAD no frequency). This sequence change replaces alanine, which is neutral and non-polar, with serine, which is neutral and polar, at codon 1074 of the CAMTA1 protein (p.Ala1074Ser).